The following is an entry in ClinVar:

NM_000260.4(MYO7A):c.767del (p.Tyr256fs)

Gene: MYO7A (myosin VIIA; plus strand). Cytogenetic location: 11q13.5.
Variant type: Deletion.
Coding change: c.767del on transcript NM_000260.4 (MANE Select); coding-DNA position 767, one base deleted (A; older notation c.767delA).
Protein change: p.Tyr256fs; shifts the reading frame from tyrosine 256.
Molecular consequence: frameshift variant.
Genome position (GRCh38, 1-based): chr11:77,157,310, A deleted. VCF-style (leftmost placement, unchanged base first): chr11-77157309-TA-T. GRCh37 (hg19) VCF-style: chr11-76868355-TA-T.
Other names: c.767del, p.Tyr256fs (NM_001127180.2); c.734del, p.Tyr245fs (NM_001369365.1); short protein forms Y245fs, Y256fs.
Identifiers: ClinVar variation 1724624 (VCV001724624.2), dbSNP rs2496762929, ClinGen allele CA2580084933.

ClinVar aggregate classification (germline): Likely pathogenic (1 of 4 stars; one submission).

Conditions:
Usher syndrome type 1 (USH1). Also called: RETINITIS PIGMENTOSA AND CONGENITAL DEAFNESS. Identifiers: Orphanet 231169, Orphanet 886, MedGen C1568247, MONDO:0010168, OMIM 276900.

Submission:

Myriad Genetics, Inc.
Classification: Likely pathogenic for Usher syndrome type 1. Last evaluated: 2022-02-22. Review status: criteria provided, single submitter. Criteria: Myriad Women's Health Autosomal Recessive and X-Linked Classification Criteria (2021). Collection method: clinical testing. Allele origin: unknown.
Comment: NM_000260.3(MYO7A):c.767delA(Y256Sfs*7) is expected to be pathogenic in the context of MYO7A-related disorders. This variant is predicted to lead to an abnormal or absent protein product due to the creation of a premature termination codon in MYO7A, a gene where loss-of-function variants are known to be pathogenic. Please note: this variant was assessed in the context of healthy population screening.